The following is an entry in ClinVar:

NM_002880.4(RAF1):c.834+8G>A

Gene: RAF1 (Raf-1 proto-oncogene, serine/threonine kinase; minus strand). Cytogenetic location: 3p25.2.
Variant type: single nucleotide variant.
Coding change: c.834+8G>A on transcript NM_002880.4 (MANE Select); 8 bases into the intron after coding-DNA position 834, G replaced by A.
Molecular consequence: intron variant.
Genome position (GRCh38, 1-based): chr3:12,604,128, C>T on the plus strand (G>A on the coding strand, the complement: RAF1 is on the minus strand). VCF-style: chr3-12604128-C-T. GRCh37 (hg19) VCF-style: chr3-12645627-C-T.
Other names: c.492+8G>A (NM_001354695.3); c.591+8G>A (NM_001354692.3, NM_001354694.3, NM_001354691.3); c.735+8G>A (NM_001354693.3); c.834+8G>A (NM_001354689.3, NM_001354690.3).
Identifiers: ClinVar variation 179086 (VCV000179086.9), dbSNP rs727504615, ClinGen allele CA183702.

ClinVar aggregate classification (germline): Benign/Likely benign. Review status: criteria provided, multiple submitters, no conflicts (2 of 4 stars). 3 submissions from 3 submitters: Benign (1); Likely benign (2). Last evaluated 2024-11-21.

Conditions:
RASopathy. Also called: Noonan spectrum disorder; rasopathies. Identifiers: Orphanet 536391, MedGen C5555857, MONDO:0021060.

Allele frequency attached by ClinVar (database versions not stated): gnomAD exomes below 0.00001 and 0.00001; ExAC 0.00001; TOPMed 0.00001.
gnomAD v4.1: 10 of 1,614,000 alleles (0.00062%); highest among the groups gnomAD compares: East Asian, 0.0045%; no homozygotes.

Submissions (3):

Labcorp Genetics (formerly Invitae), Labcorp
Classification: Likely benign for RASopathy. Last evaluated: 2024-11-21. Review status: criteria provided, single submitter. Criteria: Invitae Variant Classification Sherloc (09022015). Collection method: clinical testing. Allele origin: germline.

Mendelics
Classification: Benign. Last evaluated: 2022-05-04. Review status: criteria provided, single submitter. Criteria: Mendelics Assertion Criteria 2019. Collection method: clinical testing. Allele origin: germline.

Laboratory for Molecular Medicine, Mass General Brigham Personalized Medicine
Classification: Likely benign. Last evaluated: 2013-06-04. Review status: criteria provided, single submitter. Criteria: LMM Criteria. Collection method: clinical testing. Allele origin: germline. Observed: 1 variant allele.
Comment: c.834+8G>A in Intron 07 of RAF1: This variant is not expected to have clinical s ignificance because it is not located within the splice consensus sequence.